The following is an entry in ClinVar:

NM_018136.5(ASPM):c.6557T>C (p.Leu2186Pro)

Gene: ASPM (assembly factor for spindle microtubules; minus strand). Cytogenetic location: 1q31.3.
Variant type: single nucleotide variant.
Coding change: c.6557T>C on transcript NM_018136.5 (MANE Select); coding-DNA position 6557, T replaced by C.
Protein change: p.Leu2186Pro; replaces leucine 2186 with proline.
Molecular consequence: missense variant. On other transcripts: intron variant (1).
Genome position (GRCh38, 1-based): chr1:197,102,694, A>G on the plus strand (T>C on the coding strand, the complement: ASPM is on the minus strand). VCF-style: chr1-197102694-A-G. GRCh37 (hg19) VCF-style: chr1-197071824-A-G.
Other names: c.4066-6530T>C (NM_001206846.2); short protein forms L2186P.
Identifiers: ClinVar variation 1407405 (VCV001407405.8), dbSNP rs1398749301, ClinGen allele CA344022644.

ClinVar aggregate classification (germline): Uncertain significance (1 of 4 stars; one submission).

Allele frequency attached by ClinVar (database versions not stated): gnomAD 0.00001.
gnomAD v4.1: 2 of 1,612,588 alleles (0.00012%); highest among the groups gnomAD compares: African/African-American, 0.0027%; no homozygotes.

Submission:

Labcorp Genetics (formerly Invitae), Labcorp
Classification: Uncertain significance. Last evaluated: 2021-06-15. Review status: criteria provided, single submitter. Criteria: Invitae Variant Classification Sherloc (09022015). Collection method: clinical testing. Allele origin: germline.
Comment: In summary, the available evidence is currently insufficient to determine the role of this variant in disease. Therefore, it has been classified as a Variant of Uncertain Significance. Algorithms developed to predict the effect of missense changes on protein structure and function are either unavailable or do not agree on the potential impact of this missense change (SIFT: "Deleterious"; PolyPhen-2: "Probably Damaging"; Align-GVGD: "Class C0"). This variant has not been reported in the literature in individuals with ASPM-related conditions. This variant is not present in population databases (ExAC no frequency). This sequence change replaces leucine with proline at codon 2186 of the ASPM protein (p.Leu2186Pro). The leucine residue is moderately conserved and there is a moderate physicochemical difference between leucine and proline.